The following is an entry in ClinVar:

NM_020207.7(ERCC6L2):c.2540A>G (p.Lys847Arg)

Gene: ERCC6L2 (ERCC excision repair 6 like 2; plus strand). Cytogenetic location: 9q22.32.
Variant type: single nucleotide variant.
Coding change: c.2540A>G on transcript NM_020207.7 (MANE Select); coding-DNA position 2540, A replaced by G.
Protein change: p.Lys847Arg; replaces lysine 847 with arginine.
Molecular consequence: missense variant. On other transcripts: non-coding transcript variant (1).
Genome position (GRCh38, 1-based): chr9:95,972,291, A>G. VCF-style: chr9-95972291-A-G. GRCh37 (hg19) VCF-style: chr9-98734573-A-G.
Other names: c.2540A>G, p.Lys847Arg (NM_001375291.1, NM_001375292.1, NM_001375293.1 and 1 more transcripts); short protein forms K847R.
Identifiers: ClinVar variation 1955175 (VCV001955175.5), dbSNP rs1832451872, ClinGen allele CA1127034722.

ClinVar aggregate classification (germline): Uncertain significance (1 of 4 stars; one submission).

Allele frequency attached by ClinVar (database versions not stated): gnomAD 0.00001.
gnomAD v4.1: 1 of 1,297,868 alleles (0.000077%); highest among the groups gnomAD compares: Admixed American, 0.0024%; no homozygotes.

Submission:

Labcorp Genetics (formerly Invitae), Labcorp
Classification: Uncertain significance. Last evaluated: 2022-05-03. Review status: criteria provided, single submitter. Criteria: Invitae Variant Classification Sherloc (09022015). Collection method: clinical testing. Allele origin: germline.
Comment: This variant has not been reported in the literature in individuals affected with ERCC6L2-related conditions. In summary, the available evidence is currently insufficient to determine the role of this variant in disease. Therefore, it has been classified as a Variant of Uncertain Significance. Algorithms developed to predict the effect of missense changes on protein structure and function are either unavailable or do not agree on the potential impact of this missense change (SIFT: "Tolerated"; PolyPhen-2: "Not Available"; Align-GVGD: "Class C0"). This variant is not present in population databases (gnomAD no frequency). This sequence change replaces lysine, which is basic and polar, with arginine, which is basic and polar, at codon 858 of the ERCC6L2 protein (p.Lys858Arg).